The following is an entry in ClinVar:

NM_001171.6(ABCC6):c.2891G>C (p.Arg964Pro)

Gene: ABCC6 (ATP binding cassette subfamily C member 6; minus strand). Cytogenetic location: 16p13.11.
Variant type: single nucleotide variant.
Coding change: c.2891G>C on transcript NM_001171.6 (MANE Select); coding-DNA position 2891, G replaced by C.
Protein change: p.Arg964Pro; replaces arginine 964 with proline.
Molecular consequence: missense variant. On other transcripts: non-coding transcript variant (1).
Genome position (GRCh38, 1-based): chr16:16,169,750, C>G on the plus strand (G>C on the coding strand, the complement: ABCC6 is on the minus strand). VCF-style: chr16-16169750-C-G. GRCh37 (hg19) VCF-style: chr16-16263607-C-G.
Other names: c.2549G>C, p.Arg850Pro (NM_001351800.1); short protein forms R964P, R850P.
Identifiers: ClinVar variation 433298 (VCV000433298.9), dbSNP rs72657691, ClinGen allele CA278636177.
Genomic context (GRCh38, chr16:16,169,750, plus strand): 5'-GCCTGCGTCTGCTGCCCACCTACTGCAGGGTCGTCCGCCCACAGGCTCAGCCAGTAGCCC[C>G]GGCAGAAGGAGGCCACTTGCTGGCAGAGGAAGAGGAAGAGTGCGTAGAGGCAGAGGGGGG-3'
Protein context (NP_001162.5, residues 954-974): FLCQQVASFC[Arg964Pro]GYWLSLWADD

ClinVar aggregate classification (germline): Uncertain significance. Review status: criteria provided, multiple submitters, no conflicts (2 of 4 stars). 3 submissions from 3 submitters: Uncertain significance (2). 1 of the submissions does not count toward it. Last evaluated 2022-06-25.

Conditions:
Arterial calcification, generalized, of infancy, 2. Identifiers: Orphanet 51608, MedGen C3276161, MONDO:0013768, OMIM 614473.
Autosomal recessive inherited pseudoxanthoma elasticum (PXE). Identifiers: Orphanet 758, MedGen CN032334, MONDO:0009925, OMIM 264800.
Pseudoxanthoma elasticum, forme fruste. Also called: Pseudoxanthoma Elasticum, Incomplete; PSEUDOXANTHOMA ELASTICUM, HETEROZYGOUS. Identifiers: Orphanet 758, MedGen C1867450, MONDO:0008333, OMIM 177850.

Allele frequency attached by ClinVar (database versions not stated): gnomAD exomes 0.00001.
gnomAD v4.1: 31 of 1,605,088 alleles (0.0019%); highest among the groups gnomAD compares: Non-Finnish European, 0.0026%; no homozygotes.

Submissions (3):

Labcorp Genetics (formerly Invitae), Labcorp
Classification: Uncertain significance. Last evaluated: 2022-06-25. Review status: criteria provided, single submitter. Criteria: Invitae Variant Classification Sherloc (09022015). Collection method: clinical testing. Allele origin: germline.
Comment: This sequence change replaces arginine, which is basic and polar, with proline, which is neutral and non-polar, at codon 964 of the ABCC6 protein (p.Arg964Pro). This variant is present in population databases (rs72657691, gnomAD 0.002%). This missense change has been observed in individual(s) with pseudoxanthoma elasticum (PMID: 18253096). ClinVar contains an entry for this variant (Variation ID: 433298). Algorithms developed to predict the effect of missense changes on protein structure and function are either unavailable or do not agree on the potential impact of this missense change (SIFT: "Tolerated"; PolyPhen-2: "Possibly Damaging"; Align-GVGD: "Class C0"). In summary, the available evidence is currently insufficient to determine the role of this variant in disease. Therefore, it has been classified as a Variant of Uncertain Significance.

Fulgent Genetics
Classification: Uncertain significance for Pseudoxanthoma elasticum, forme fruste; Autosomal recessive inherited pseudoxanthoma elasticum; Arterial calcification, generalized, of infancy, 2. Last evaluated: 2022-01-12. Review status: criteria provided, single submitter. Criteria: ACMG Guidelines, 2015. Collection method: clinical testing. Allele origin: unknown.

PXE International
Classification: Uncertain significance for Autosomal recessive inherited pseudoxanthoma elasticum. Last evaluated: 2021-02-02. Review status: no assertion criteria provided. Collection method: research. Allele origin: germline. Inheritance: Autosomal recessive inheritance. Affected: yes. Not counted in ClinVar's aggregate classification.

Literature cited by the submitters: PubMed 18253096 (cited by Labcorp Genetics (formerly Invitae), Labcorp and PXE International); PubMed 32873932 (cited by PXE International); PubMed 25062064 (cited by PXE International).